The following is an entry in ClinVar:

NM_000548.5(TSC2):c.1697G>A (p.Gly566Glu)

Gene: TSC2 (TSC complex subunit 2; plus strand). Cytogenetic location: 16p13.3.
Variant type: single nucleotide variant.
Coding change: c.1697G>A on transcript NM_000548.5 (MANE Select); coding-DNA position 1697, G replaced by A.
Protein change: p.Gly566Glu; replaces glycine 566 with glutamic acid.
Molecular consequence: missense variant. On other transcripts: non-coding transcript variant (5).
Genome position (GRCh38, 1-based): chr16:2,065,616, G>A. VCF-style: chr16-2065616-G-A. GRCh37 (hg19) VCF-style: chr16-2115617-G-A.
Other names: c.1097G>A, p.Gly366Glu (NM_001406683.1, NM_001406684.1, NM_001406685.1 and 6 more transcripts); c.1787G>A, p.Gly596Glu (NM_001406667.1, NM_001406668.1); c.1586G>A, p.Gly529Glu (NM_001406670.1, NM_001406678.1, NM_001318827.2); c.1685G>A, p.Gly562Glu (NM_001406671.1, NM_001406673.1); c.1550G>A, p.Gly517Glu (NM_001406675.1, NM_001406676.1, NM_001318829.2 and 1 more transcripts); c.1640G>A, p.Gly547Glu (NM_001406677.1); c.353G>A, p.Gly118Glu (NM_001406689.1, NM_001406690.1, NM_001406691.1 and 6 more transcripts); c.95G>A, p.Gly32Glu (NM_001406698.1); and 3 more; short protein forms G118E, G517E, G562E, G366E, G412E, G547E, G566E, G529E.
Identifiers: ClinVar variation 4773104 (VCV004773104.2).

ClinVar aggregate classification (germline): Uncertain significance. Review status: criteria provided, multiple submitters, no conflicts (2 of 4 stars). 2 submissions from 2 submitters: Uncertain significance (2). Last evaluated 2026-05-19.

Conditions:
Tuberous sclerosis 2 (TSC2). Identifiers: Orphanet 805, MedGen C1860707, MONDO:0013199, OMIM 613254.

Submissions (2):

Women's Health and Genetics/Laboratory Corporation of America, LabCorp
Classification: Uncertain significance. Last evaluated: 2026-05-19. Review status: criteria provided, single submitter. Criteria: LabCorp Variant Classification Summary - May 2015. Collection method: clinical testing. Allele origin: germline.
Comment: Variant summary: TSC2 c.1697G>A (p.Gly566Glu) results in a non-conservative amino acid change in the encoded protein sequence. Algorithms developed to predict the effect of missense changes on protein structure and function all suggest that this variant is likely to be disruptive. The variant was absent in 250450 control chromosomes. The available data on variant occurrences in the general population are insufficient to allow any conclusion about variant significance. To our knowledge, no occurrence of c.1697G>A in individuals affected with TSC2-related conditions and no experimental evidence demonstrating its impact on protein function have been reported. ClinVar contains an entry for this variant (Variation ID: 4773104). Based on the evidence outlined above, the variant was classified as uncertain significance.

Labcorp Genetics (formerly Invitae), Labcorp
Classification: Uncertain significance for Tuberous sclerosis 2. Last evaluated: 2025-07-13. Review status: criteria provided, single submitter. Criteria: Invitae Variant Classification Sherloc (09022015). Collection method: clinical testing. Allele origin: germline.
Comment: This sequence change replaces glycine, which is neutral and non-polar, with glutamic acid, which is acidic and polar, at codon 566 of the TSC2 protein (p.Gly566Glu). This variant is not present in population databases (gnomAD no frequency). This variant has not been reported in the literature in individuals affected with TSC2-related conditions. Invitae Evidence Modeling of protein sequence and biophysical properties (such as structural, functional, and spatial information, amino acid conservation, physicochemical variation, residue mobility, and thermodynamic stability) has been performed for this missense variant. However, the output from this modeling did not meet the statistical confidence thresholds required to predict the impact of this variant on TSC2 protein function. In summary, the available evidence is currently insufficient to determine the role of this variant in disease. Therefore, it has been classified as a Variant of Uncertain Significance.